The following is an entry in ClinVar:

NM_058216.3(RAD51C):c.955C>G (p.Arg319Gly)

Gene: RAD51C (RAD51 paralog C; plus strand). Cytogenetic location: 17q22.
Variant type: single nucleotide variant.
Coding change: c.955C>G on transcript NM_058216.3 (MANE Select); coding-DNA position 955, C replaced by G.
Protein change: p.Arg319Gly; replaces arginine 319 with glycine.
Molecular consequence: missense variant. On other transcripts: non-coding transcript variant (1).
Genome position (GRCh38, 1-based): chr17:58,724,090, C>G. VCF-style: chr17-58724090-C-G. GRCh37 (hg19) VCF-style: chr17-56801451-C-G.
Other names: short protein forms R319G.
Identifiers: ClinVar variation 1385087 (VCV001385087.14), dbSNP rs587781287, ClinGen allele CA400361558.

ClinVar aggregate classification (germline): Conflicting classifications of pathogenicity. Review status: criteria provided, conflicting classifications (1 of 4 stars). 4 submissions from 4 submitters: Uncertain significance (3); Benign (1). Last evaluated 2025-09-25.

Conditions:
Breast and/or ovarian cancer. Identifiers: MedGen CN221562.
Hereditary cancer-predisposing syndrome. Also called: Tumor predisposition; Hereditary neoplastic syndrome; Neoplastic Syndromes, Hereditary; Hereditary Cancer Syndrome. Identifiers: Orphanet 140162, MedGen C0027672, MeSH D009386, MONDO:0015356.
Fanconi anemia complementation group O. Also called: RAD51C-Related Fanconi Anemia. Identifiers: Orphanet 84, MedGen C3150653, MONDO:0013248, OMIM 613390.

gnomAD v4.1: 4 of 1,612,100 alleles (0.00025%); highest among the groups gnomAD compares: Non-Finnish European, 0.00034%; no homozygotes.

Submissions (4):

Ambry Genetics
Classification: Benign for Hereditary cancer-predisposing syndrome. Last evaluated: 2025-09-25. Review status: criteria provided, single submitter. Criteria: Ambry Variant Classification Scheme 2023. Collection method: clinical testing. Allele origin: germline.

Women's Health and Genetics/Laboratory Corporation of America, LabCorp
Classification: Uncertain significance. Last evaluated: 2025-01-20. Review status: criteria provided, single submitter. Criteria: LabCorp Variant Classification Summary - May 2015. Collection method: clinical testing. Allele origin: germline.

Labcorp Genetics (formerly Invitae), Labcorp
Classification: Uncertain significance for Fanconi anemia complementation group O. Last evaluated: 2022-10-05. Review status: criteria provided, single submitter. Criteria: Invitae Variant Classification Sherloc (09022015). Collection method: clinical testing. Allele origin: germline.
Comment: This sequence change replaces arginine, which is basic and polar, with glycine, which is neutral and non-polar, at codon 319 of the RAD51C protein (p.Arg319Gly). This variant is not present in population databases (gnomAD no frequency). This variant has not been reported in the literature in individuals affected with RAD51C-related conditions. ClinVar contains an entry for this variant (Variation ID: 1385087). Advanced modeling of protein sequence and biophysical properties (such as structural, functional, and spatial information, amino acid conservation, physicochemical variation, residue mobility, and thermodynamic stability) performed at Invitae indicates that this missense variant is not expected to disrupt RAD51C protein function. In summary, the available evidence is currently insufficient to determine the role of this variant in disease. Therefore, it has been classified as a Variant of Uncertain Significance.

CHEO Genetics Diagnostic Laboratory, Children's Hospital of Eastern Ontario
Classification: Uncertain significance for Breast and/or ovarian cancer. Last evaluated: 2021-06-21. Review status: criteria provided, single submitter. Criteria: ACMG Guidelines, 2015. Collection method: clinical testing. Allele origin: germline.